The following is an entry in ClinVar:

ClinVar aggregate classification (germline): Uncertain significance. Review status: criteria provided, multiple submitters, no conflicts (2 of 4 stars). 3 submissions from 3 submitters: Uncertain significance (3). Last evaluated 2025-03-19.

Conditions:
Tuberous sclerosis 1 (TSC1). Identifiers: Orphanet 805, MedGen C1854465, MONDO:0008612, OMIM 191100.
Tuberous sclerosis syndrome (TSC). Also called: Tuberous Sclerosis Complex; Tuberous sclerosis. Identifiers: Orphanet 805, MedGen C0041341, MONDO:0001734.
Hereditary cancer-predisposing syndrome. Also called: Neoplastic Syndromes, Hereditary; Hereditary neoplastic syndrome; Tumor predisposition; Hereditary Cancer Syndrome. Identifiers: Orphanet 140162, MedGen C0027672, MeSH D009386, MONDO:0015356.

gnomAD v4.1: 1 of 1,614,180 alleles (0.000062%); highest among the groups gnomAD compares: Non-Finnish European, 0.000085%; no homozygotes.

Submissions (3):

Labcorp Genetics (formerly Invitae), Labcorp
Classification: Uncertain significance for Tuberous sclerosis 1. Last evaluated: 2025-03-19. Review status: criteria provided, single submitter. Criteria: Invitae Variant Classification Sherloc (09022015). Collection method: clinical testing. Allele origin: germline.
Comment: This sequence change replaces threonine, which is neutral and polar, with proline, which is neutral and non-polar, at codon 1159 of the TSC1 protein (p.Thr1159Pro). This variant is not present in population databases (gnomAD no frequency). This variant has not been reported in the literature in individuals affected with TSC1-related conditions. ClinVar contains an entry for this variant (Variation ID: 534432). Invitae Evidence Modeling of protein sequence and biophysical properties (such as structural, functional, and spatial information, amino acid conservation, physicochemical variation, residue mobility, and thermodynamic stability) indicates that this missense variant is not expected to disrupt TSC1 protein function with a negative predictive value of 95%. In summary, the available evidence is currently insufficient to determine the role of this variant in disease. Therefore, it has been classified as a Variant of Uncertain Significance.

Ambry Genetics
Classification: Uncertain significance for Hereditary cancer-predisposing syndrome. Last evaluated: 2025-02-07. Review status: criteria provided, single submitter. Criteria: Ambry Variant Classification Scheme 2023. Collection method: clinical testing. Allele origin: germline.
Comment: The p.T1159P variant (also known as c.3475A>C), located in coding exon 21 of the TSC1 gene, results from an A to C substitution at nucleotide position 3475. The threonine at codon 1159 is replaced by proline, an amino acid with highly similar properties. This amino acid position is not well conserved in available vertebrate species. In addition, the in silico prediction for this alteration is inconclusive. Based on the available evidence, the clinical significance of this variant remains unclear.

All of Us Research Program, National Institutes of Health
Classification: Uncertain significance for Tuberous sclerosis syndrome. Last evaluated: 2023-11-30. Review status: criteria provided, single submitter. Criteria: ACMG Guidelines, 2015. Collection method: clinical testing. Allele origin: germline. Inheritance: Autosomal dominant inheritance. Observed: 1 variant allele, 1 heterozygote.
Comment: This study involves interpretation of variants in research participants for the purpose of population health screening. Participant phenotype was not available at the time of variant classification. Additional details can be found in publication PMID: 35346344, PMCID: PMC8962531

NM_000368.5(TSC1):c.3475A>C (p.Thr1159Pro)

Gene: TSC1 (TSC complex subunit 1; minus strand). Cytogenetic location: 9q34.13.
Variant type: single nucleotide variant.
Coding change: c.3475A>C on transcript NM_000368.5 (MANE Select); coding-DNA position 3475, A replaced by C.
Protein change: p.Thr1159Pro; replaces threonine 1159 with proline.
Molecular consequence: missense variant.
Genome position (GRCh38, 1-based): chr9:132,896,255, T>G on the plus strand (A>C on the coding strand, the complement: TSC1 is on the minus strand). VCF-style: chr9-132896255-T-G. GRCh37 (hg19) VCF-style: chr9-135771642-T-G.
Other names: c.3472A>C, p.Thr1158Pro (NM_001162426.2); c.3322A>C, p.Thr1108Pro (NM_001162427.2); c.3112A>C, p.Thr1038Pro (NM_001362177.2); short protein forms T1159P, T1038P, T1108P, T1158P.
Identifiers: ClinVar variation 534432 (VCV000534432.12), dbSNP rs1216169846, ClinGen allele CA375366290.